The following is an entry in ClinVar:

NM_000222.3(KIT):c.2413A>G (p.Ile805Val)

Gene: KIT (KIT proto-oncogene, receptor tyrosine kinase; plus strand). Cytogenetic location: 4q12.
Variant type: single nucleotide variant.
Coding change: c.2413A>G on transcript NM_000222.3 (MANE Select); coding-DNA position 2413, A replaced by G.
Protein change: p.Ile805Val; replaces isoleucine 805 with valine.
Molecular consequence: missense variant.
Genome position (GRCh38, 1-based): chr4:54,733,121, A>G. VCF-style: chr4-54733121-A-G. GRCh37 (hg19) VCF-style: chr4-55599287-A-G.
Other names: c.2401A>G, p.Ile801Val (NM_001093772.2, NM_001385292.1); c.2416A>G, p.Ile806Val (NM_001385284.1); c.2410A>G, p.Ile804Val (NM_001385285.1); c.2398A>G, p.Ile800Val (NM_001385286.1); c.2404A>G, p.Ile802Val (NM_001385288.1); c.2413A>G, p.Ile805Val (NM_001385290.1); short protein forms I800V, I801V, I805V, I806V, I802V, I804V.
Identifiers: ClinVar variation 4645216 (VCV004645216.1).

ClinVar aggregate classification (germline): Uncertain significance (1 of 4 stars; one submission).

Conditions:
Hereditary cancer-predisposing syndrome. Also called: Neoplastic Syndromes, Hereditary; Tumor predisposition; Hereditary Cancer Syndrome; Hereditary neoplastic syndrome. Identifiers: Orphanet 140162, MedGen C0027672, MeSH D009386, MONDO:0015356.

Submission:

Ambry Genetics
Classification: Uncertain significance for Hereditary cancer-predisposing syndrome. Last evaluated: 2025-11-05. Review status: criteria provided, single submitter. Criteria: Ambry Variant Classification Scheme 2023. Collection method: clinical testing. Allele origin: germline.
Comment: The p.I805V variant (also known as c.2413A>G), located in coding exon 17 of the KIT gene, results from an A to G substitution at nucleotide position 2413. The isoleucine at codon 805 is replaced by valine, an amino acid with highly similar properties. This amino acid position is conserved. In addition, this alteration is predicted to be tolerated by in silico analysis. Based on the available evidence, the clinical significance of this variant remains unclear.